The following is an entry in ClinVar:

ClinVar aggregate classification (germline): Uncertain significance (1 of 4 stars; one submission).

Submission:

Greenwood Genetic Center Diagnostic Laboratories, Greenwood Genetic Center
Classification: Uncertain significance. Last evaluated: 2024-05-21. Review status: criteria provided, single submitter. Criteria: ACMG Guidelines, 2015. Collection method: clinical testing. Allele origin: germline. Affected: yes.
Comment: Gene of Uncertain Significance

NM_176814.5(ZNF800):c.61+1G>A

Gene: ZNF800 (zinc finger protein 800; minus strand). Cytogenetic location: 7q31.33.
Variant type: single nucleotide variant.
Coding change: c.61+1G>A on transcript NM_176814.5 (MANE Select); the canonical splice donor site of the intron after coding-DNA position 61, G replaced by A.
Molecular consequence: splice donor variant.
Genome position (GRCh38, 1-based): chr7:127,391,496, C>T on the plus strand (G>A on the coding strand, the complement: ZNF800 is on the minus strand). VCF-style: chr7-127391496-C-T. GRCh37 (hg19) VCF-style: chr7-127031550-C-T.
Identifiers: ClinVar variation 3338517 (VCV003338517.1).